The following is an entry in ClinVar:

NM_000038.6(APC):c.5907G>A (p.Leu1969=)

Gene: APC (APC regulator of Wnt signaling pathway; plus strand). Cytogenetic location: 5q22.2.
Variant type: single nucleotide variant.
Coding change: c.5907G>A on transcript NM_000038.6 (MANE Select); coding-DNA position 5907, G replaced by A.
Protein change: p.Leu1969=; no amino-acid change (leucine 1969 retained).
Molecular consequence: synonymous variant. On other transcripts: non-coding transcript variant (2).
Genome position (GRCh38, 1-based): chr5:112,841,501, G>A. VCF-style: chr5-112841501-G-A. GRCh37 (hg19) VCF-style: chr5-112177198-G-A.
Other names: c.5853G>A, p.Leu1951= (NM_001127511.3); c.5907G>A, p.Leu1969= (NM_001354895.2, NM_001407450.1, NM_001127510.3); c.5961G>A, p.Leu1987= (NM_001354896.2, NM_001407447.1, NM_001407448.1 and 1 more transcripts); c.5937G>A, p.Leu1979= (NM_001354897.2); c.5832G>A, p.Leu1944= (NM_001354898.2); c.5823G>A, p.Leu1941= (NM_001354899.2); c.5784G>A, p.Leu1928= (NM_001354900.2); c.5730G>A, p.Leu1910= (NM_001354901.2, NM_001407453.1); and 11 more.
Identifiers: ClinVar variation 3253783 (VCV003253783.1), dbSNP rs200881543.

ClinVar aggregate classification (germline): Benign (1 of 4 stars; one submission).

Conditions:
Familial adenomatous polyposis 1 (FAP1). Also called: POLYPOSIS, ADENOMATOUS INTESTINAL; FAMILIAL ADENOMATOUS POLYPOSIS 1, ATTENUATED. Identifiers: MedGen C2713442, MONDO:0021056, OMIM 175100. Disease mechanism: loss of function.

Submission:

Myriad Genetics, Inc.
Classification: Benign for Familial adenomatous polyposis 1. Last evaluated: 2024-04-03. Review status: criteria provided, single submitter. Criteria: Myriad Autosomal Dominant, Autosomal Recessive and X-Linked Classification Criteria (2023). Collection method: clinical testing. Allele origin: unknown.
Comment: This variant is considered benign. This variant is a silent/synonymous amino acid change and it is not expected to impact splicing.